The following is an entry in ClinVar:

NM_176787.5(PIGN):c.2620C>A (p.His874Asn)

Gene: PIGN (phosphatidylinositol glycan anchor biosynthesis class N; minus strand). Cytogenetic location: 18q21.33.
Variant type: single nucleotide variant.
Coding change: c.2620C>A on transcript NM_176787.5 (MANE Select); coding-DNA position 2620, C replaced by A.
Protein change: p.His874Asn; replaces histidine 874 with asparagine.
Molecular consequence: missense variant.
Genome position (GRCh38, 1-based): chr18:62,072,725, G>T on the plus strand (C>A on the coding strand, the complement: PIGN is on the minus strand). VCF-style: chr18-62072725-G-T. GRCh37 (hg19) VCF-style: chr18-59739958-G-T.
Other names: c.2620C>A, p.His874Asn (NM_012327.6); short protein forms H874N.
Identifiers: ClinVar variation 1793946 (VCV001793946.4), dbSNP rs868765550, ClinGen allele CA301885126.

ClinVar aggregate classification (germline): Uncertain significance. Review status: criteria provided, multiple submitters, no conflicts (2 of 4 stars). 2 submissions from 2 submitters: Uncertain significance (2). Last evaluated 2022-07-19.

Conditions:
Inborn genetic diseases. Identifiers: MedGen C0950123, MeSH D030342.
Multiple congenital anomalies-hypotonia-seizures syndrome 1 (MCAHS1). Also called: GLYCOSYLPHOSPHATIDYLINOSITOL BIOSYNTHESIS DEFECT 3; PIGN-CDG; Congenital disorder of glycosylation due to PIGN deficiency. Identifiers: Orphanet 280633, MedGen C3279775, MONDO:0013563, OMIM 614080.

gnomAD v4.1: 8 of 1,522,530 alleles (0.00053%); highest among the groups gnomAD compares: Admixed American, 0.011%; no homozygotes.

Submissions (2):

Labcorp Genetics (formerly Invitae), Labcorp
Classification: Uncertain significance for Multiple congenital anomalies-hypotonia-seizures syndrome 1. Last evaluated: 2022-07-19. Review status: criteria provided, single submitter. Criteria: Invitae Variant Classification Sherloc (09022015). Collection method: clinical testing. Allele origin: germline.
Comment: This sequence change replaces histidine, which is basic and polar, with asparagine, which is neutral and polar, at codon 874 of the PIGN protein (p.His874Asn). The frequency data for this variant in the population databases is considered unreliable, as metrics indicate poor data quality at this position in the gnomAD database. This variant has not been reported in the literature in individuals affected with PIGN-related conditions. Algorithms developed to predict the effect of missense changes on protein structure and function (SIFT, PolyPhen-2, Align-GVGD) all suggest that this variant is likely to be tolerated. In summary, the available evidence is currently insufficient to determine the role of this variant in disease. Therefore, it has been classified as a Variant of Uncertain Significance.

Ambry Genetics
Classification: Uncertain significance for Inborn genetic diseases. Last evaluated: 2019-01-26. Review status: criteria provided, single submitter. Criteria: Ambry Variant Classification Scheme 2023. Collection method: clinical testing. Allele origin: germline.
Comment: The p.H874N variant (also known as c.2620C>A) is located in coding exon 27 of the PIGN gene. The histidine at codon 874 is replaced by asparagine, an amino acid with similar properties. This change occurs in the first base pair of coding exon 27. This amino acid position is highly conserved in available vertebrate species. In addition, this alteration is predicted to be tolerated by in silico analysis. Since supporting evidence is limited at this time, the clinical significance of this alteration remains unclear.